The following is an entry in ClinVar:

ClinVar aggregate classification (germline): Likely benign (0 of 4 stars; one submission).

Conditions:
PLXNA3-related disorder. Also called: PLXNA3-related condition.

Submission:

PreventionGenetics, part of Exact Sciences
Classification: Likely benign for PLXNA3-related condition. Last evaluated: 2021-07-12. Review status: no assertion criteria provided. Collection method: clinical testing. Allele origin: germline.
Comment: This variant is classified as likely benign based on ACMG/AMP sequence variant interpretation guidelines (Richards et al. 2015 PMID: 25741868, with internal and published modifications).

NM_017514.5(PLXNA3):c.3018C>T (p.Asp1006=)

Gene: PLXNA3 (plexin A3; plus strand). Cytogenetic location: Xq28.
Variant type: single nucleotide variant.
Coding change: c.3018C>T on transcript NM_017514.5 (MANE Select); coding-DNA position 3018, C replaced by T.
Protein change: p.Asp1006=; no amino-acid change (aspartic acid 1006 retained).
Molecular consequence: synonymous variant.
Genome position (GRCh38, 1-based): chrX:154,466,704, C>T. VCF-style: chrX-154466704-C-T. GRCh37 (hg19) VCF-style: chrX-153695047-C-T.
Identifiers: ClinVar variation 3350990 (VCV003350990.1).